The following is an entry in ClinVar:

NM_001384732.1(CPLANE1):c.7808A>G (p.Asn2603Ser)

Gene: CPLANE1 (ciliogenesis and planar polarity effector complex subunit 1; minus strand). Cytogenetic location: 5p13.2.
Variant type: single nucleotide variant.
Coding change: c.7808A>G on transcript NM_001384732.1 (MANE Select); coding-DNA position 7808, A replaced by G.
Protein change: p.Asn2603Ser; replaces asparagine 2603 with serine.
Molecular consequence: missense variant.
Genome position (GRCh38, 1-based): chr5:37,158,228, T>C on the plus strand (A>G on the coding strand, the complement: CPLANE1 is on the minus strand). VCF-style: chr5-37158228-T-C. GRCh37 (hg19) VCF-style: chr5-37158330-T-C.
Other names: c.7808A>G, p.Asn2603Ser (NM_023073.4); short protein forms N2603S.
Identifiers: ClinVar variation 1916849 (VCV001916849.3), dbSNP rs1775743393, ClinGen allele CA359475228.

ClinVar aggregate classification (germline): Uncertain significance (1 of 4 stars; one submission).

Allele frequency attached by ClinVar (database versions not stated): gnomAD exomes below 0.00001; TOPMed below 0.00001.
gnomAD v4.1: 3 of 1,613,324 alleles (0.00019%); highest among the groups gnomAD compares: Admixed American, 0.0017%; no homozygotes.

Submission:

Labcorp Genetics (formerly Invitae), Labcorp
Classification: Uncertain significance. Last evaluated: 2022-06-11. Review status: criteria provided, single submitter. Criteria: Invitae Variant Classification Sherloc (09022015). Collection method: clinical testing. Allele origin: germline.
Comment: Advanced modeling of protein sequence and biophysical properties (such as structural, functional, and spatial information, amino acid conservation, physicochemical variation, residue mobility, and thermodynamic stability) performed at Invitae indicates that this missense variant is not expected to disrupt CPLANE1 protein function. This sequence change replaces asparagine, which is neutral and polar, with serine, which is neutral and polar, at codon 2603 of the CPLANE1 protein (p.Asn2603Ser). This variant is not present in population databases (gnomAD no frequency). This variant has not been reported in the literature in individuals affected with CPLANE1-related conditions. In summary, the available evidence is currently insufficient to determine the role of this variant in disease. Therefore, it has been classified as a Variant of Uncertain Significance.